The following is an entry in ClinVar:

ClinVar aggregate classification (germline): Uncertain significance (1 of 4 stars; one submission).

Allele frequency attached by ClinVar (database versions not stated): gnomAD exomes below 0.00001; TOPMed below 0.00001; gnomAD 0.00001.
gnomAD v4.1: 2 of 1,610,334 alleles (0.00012%); highest among the groups gnomAD compares: Admixed American, 0.0033%; no homozygotes.

Submission:

Labcorp Genetics (formerly Invitae), Labcorp
Classification: Uncertain significance. Last evaluated: 2020-07-08. Review status: criteria provided, single submitter. Criteria: Invitae Variant Classification Sherloc (09022015). Collection method: clinical testing. Allele origin: germline.
Comment: Nucleotide substitutions within the consensus splice site are a relatively common cause of aberrant splicing (PMID: 17576681, 9536098). Experimental studies and prediction algorithms are not available or were not evaluated, and the effect of this variant on mRNA splicing is currently unknown. In summary, the available evidence is currently insufficient to determine the role of this variant in disease. Therefore, it has been classified as a Variant of Uncertain Significance. This variant has not been reported in the literature in individuals with MAK-related conditions. This sequence change falls in intron 4 of the MAK gene. It does not directly change the encoded amino acid sequence of the MAK protein, but it affects a nucleotide within the consensus splice site of the intron. This variant is not present in population databases (ExAC no frequency).

Literature cited by the submitters: PubMed 17576681; PubMed 9536098.

NM_001242957.3(MAK):c.359-3A>G

Gene: MAK (male germ cell associated kinase; minus strand). Cytogenetic location: 6p24.2.
Variant type: single nucleotide variant.
Coding change: c.359-3A>G on transcript NM_001242957.3 (MANE Select); 3 bases into the intron before coding-DNA position 359, A replaced by G.
Molecular consequence: intron variant.
Genome position (GRCh38, 1-based): chr6:10,808,945, T>C on the plus strand (A>G on the coding strand, the complement: MAK is on the minus strand). VCF-style: chr6-10808945-T-C. GRCh37 (hg19) VCF-style: chr6-10809178-T-C.
Other names: c.257-3A>G (NM_001377262.1); c.359-3A>G (NM_005906.6, NM_001242385.2).
Identifiers: ClinVar variation 1024042 (VCV001024042.6), dbSNP rs1330184330, ClinGen allele CA565388134.
Genomic context (GRCh38, chr6:10,808,945, plus strand): 5'-ACAAGCTCTGGACCCATACAAAGCAAGTTTTCTGGTTTCATGTCCCTATGAAAAAAGCCT[T>C]GATGATATACGGAGAAAAAAAAATACAGTAAATCATTACGTTTAAACATAGCTTTATTTG-3'